The following is an entry in ClinVar:

ClinVar aggregate classification (germline): Conflicting classifications of pathogenicity. Review status: criteria provided, conflicting classifications (1 of 4 stars). 4 submissions from 4 submitters: Uncertain significance (3); Likely benign (1). Last evaluated 2025-11-10.

Conditions:
Hereditary breast ovarian cancer syndrome. Also called: Hereditary breast and ovarian cancer; Hereditary breast and/or ovarian cancer syndrome; Hereditary breast and ovarian cancer syndrome; Hereditary breast and ovarian cancer syndrome (HBOC); Breast and ovarian cancer; BRCA1- and BRCA2-Associated Hereditary Breast and Ovarian Cancer. Identifiers: Orphanet 145, MedGen C0677776, MeSH D061325, MONDO:0003582. Disease mechanism: loss of function.
Hereditary cancer-predisposing syndrome. Also called: Hereditary neoplastic syndrome; Tumor predisposition; Neoplastic Syndromes, Hereditary; Hereditary Cancer Syndrome. Identifiers: Orphanet 140162, MedGen C0027672, MeSH D009386, MONDO:0015356.

Submissions (4):

Labcorp Genetics (formerly Invitae), Labcorp
Classification: Uncertain significance for Hereditary breast ovarian cancer syndrome. Last evaluated: 2025-11-10. Review status: criteria provided, single submitter. Criteria: Invitae Variant Classification Sherloc (09022015). Collection method: clinical testing. Allele origin: germline.
Comment: This sequence change replaces methionine, which is neutral and non-polar, with leucine, which is neutral and non-polar, at codon 1029 of the BRCA2 protein (p.Met1029Leu). This variant is not present in population databases (gnomAD no frequency). This variant has not been reported in the literature in individuals affected with BRCA2-related conditions. ClinVar contains an entry for this variant (Variation ID: 419183). Invitae Evidence Modeling of protein sequence and biophysical properties (such as structural, functional, and spatial information, amino acid conservation, physicochemical variation, residue mobility, and thermodynamic stability) indicates that this missense variant is not expected to disrupt BRCA2 protein function with a negative predictive value of 95%. In summary, the available evidence is currently insufficient to determine the role of this variant in disease. Therefore, it has been classified as a Variant of Uncertain Significance.

Ambry Genetics
Classification: Uncertain significance for Hereditary cancer-predisposing syndrome. Last evaluated: 2025-07-14. Review status: criteria provided, single submitter. Criteria: Ambry Variant Classification Scheme 2023. Collection method: clinical testing. Allele origin: germline.
Comment: The p.M1029L variant (also known as c.3085A>C), located in coding exon 10 of the BRCA2 gene, results from an A to C substitution at nucleotide position 3085. The methionine at codon 1029 is replaced by leucine, an amino acid with highly similar properties. This amino acid position is not well conserved in available vertebrate species. In addition, this alteration is predicted to be tolerated by in silico analysis. Since supporting evidence is limited at this time, the clinical significance of this alteration remains unclear.

University of Washington Department of Laboratory Medicine, University of Washington
Classification: Likely benign for Hereditary cancer-predisposing syndrome. Last evaluated: 2023-03-23. Review status: criteria provided, single submitter. Criteria: Dines et al. (Genet Med. 2020). Collection method: curation. Allele origin: germline.
Comment: Missense variant in a coldspot region where missense variants are very unlikely to be pathogenic (PMID:31911673).

BRCA2 exon 11 coldspot. Reclassification based on statistical prior probability.

GeneDx
Classification: Uncertain significance. Last evaluated: 2015-06-08. Review status: criteria provided, single submitter. Criteria: GeneDx Variant Classification (06012015). Collection method: clinical testing. Allele origin: germline. Affected: yes.
Comment: This variant is denoted BRCA2 c.3085A>C at the cDNA level, p.Met1029Leu (M1029L) at the protein level, and results in the change of a Methionine to a Leucine (ATG>CTG). Using alternate nomenclature, this variant would be defined as BRCA2 3313A>C. This variant has not, to our knowledge, been published in the literature as pathogenic or benign. BRCA2 Met1029Leu was not observed in approximately 6,500 individuals of European and African American ancestry in the NHLBI Exome Sequencing Project, indicating it is not a common benign variant in these populations. Since Methionine and Leucine share similar properties, this is considered a conservative amino acid substitution. BRCA2 Met1029Leu occurs at a position that is not conserved and is located in the first BRC repeat (UniProt). In silico analyses predict that this variant is unlikely to alter protein structure or function. Based on currently available information, it is unclear whether BRCA2 Met1029Leu is pathogenic or benign. We consider it to be a variant of uncertain significance.

NM_000059.4(BRCA2):c.3085A>C (p.Met1029Leu)

Gene: BRCA2 (BRCA2 DNA repair associated; plus strand). Cytogenetic location: 13q13.1.
Variant type: single nucleotide variant.
Coding change: c.3085A>C on transcript NM_000059.4 (MANE Select); coding-DNA position 3085, A replaced by C.
Protein change: p.Met1029Leu; replaces methionine 1029 with leucine.
Molecular consequence: missense variant.
Genome position (GRCh38, 1-based): chr13:32,337,440, A>C. VCF-style: chr13-32337440-A-C. GRCh37 (hg19) VCF-style: chr13-32911577-A-C.
Other names: short protein forms M1029L.
Identifiers: ClinVar variation 419183 (VCV000419183.16), dbSNP rs80358553, ClinGen allele CA16619683.